The following is an entry in ClinVar:

ClinVar aggregate classification (germline): Benign. Review status: criteria provided, multiple submitters, no conflicts (2 of 4 stars). 4 submissions from 4 submitters: Benign (3). 1 of the submissions does not count toward it. Last evaluated 2018-06-19.

Conditions:
Isovaleryl-CoA dehydrogenase deficiency (IVA). Also called: ISOVALERIC ACID CoA DEHYDROGENASE DEFICIENCY; IVD DEFICIENCY; Isovaleric acidemia; Classic Isovaleric Acidemia. Identifiers: Orphanet 33, MedGen C0268575, MONDO:0009475, OMIM 243500.

Allele frequency attached by ClinVar (database versions not stated): gnomAD 0.23369 and 0.24923; TOPMed 0.24903; gnomAD exomes 0.25107; 1000 Genomes Project 30x 0.34666; 1000 Genomes Project 0.35783.
gnomAD v4.1: 322,339 of 1,281,854 alleles (25%); highest among the groups gnomAD compares: East Asian, 66%; 47,255 homozygotes.

Submissions (4):

GeneDx
Classification: Benign. Last evaluated: 2018-06-19. Review status: criteria provided, single submitter. Criteria: GeneDx Variant Classification Process June 2021. Collection method: clinical testing. Allele origin: germline. Affected: yes.

Illumina Laboratory Services, Illumina
Classification: Benign for Isovaleryl-CoA dehydrogenase deficiency. Last evaluated: 2018-01-13. Review status: criteria provided, single submitter. Criteria: ICSL Variant Classification Criteria 13 December 2019. Collection method: clinical testing. Allele origin: germline.
Comment: This variant was observed in the ICSL laboratory as part of a predisposition screen in an ostensibly healthy population. It had not been previously curated by ICSL or reported in the Human Gene Mutation Database (HGMD: prior to June 1st, 2018), and was therefore a candidate for classification through an automated scoring system. Utilizing variant allele frequency, disease prevalence and penetrance estimates, and inheritance mode, an automated score was calculated to assess if this variant is too frequent to cause the disease. Based on the score and internal cut-off values, a variant classified as benign is not then subjected to further curation. The score for this variant resulted in a classification of benign for this disease.

Breakthrough Genomics
Classification: Benign. Review status: criteria provided, single submitter. Criteria: ACMG Guidelines, 2015. Collection method: not provided. Allele origin: germline. Inheritance: Autosomal recessive inheritance. Affected: yes.

Natera, Inc.
Classification: Benign for Isovaleryl-coa dehydrogenase deficiency. Last evaluated: 2018-04-12. Review status: no assertion criteria provided. Collection method: clinical testing. Allele origin: germline. Not counted in ClinVar's aggregate classification.

NM_002225.5(IVD):c.*261G>A

Gene: IVD (isovaleryl-CoA dehydrogenase; plus strand). Cytogenetic location: 15q15.1.
Variant type: single nucleotide variant.
Coding change: c.*261G>A on transcript NM_002225.5 (MANE Select); 261 bases downstream of the stop codon, G replaced by A.
Molecular consequence: 3 prime UTR variant. On other transcripts: intron variant (3).
Genome position (GRCh38, 1-based): chr15:40,418,524, G>A. VCF-style: chr15-40418524-G-A. GRCh37 (hg19) VCF-style: chr15-40710723-G-A.
Other names: c.*261G>A (NM_001159508.3, NM_001354597.3, NM_001354599.3); c.1225+2162G>A (NM_001354600.3); c.1138+2162G>A (NM_001354598.3, NM_001354601.3).
Identifiers: ClinVar variation 315807 (VCV000315807.12), dbSNP rs2075624, ClinGen allele CA10635941.
Genomic context (GRCh38, chr15:40,418,524, plus strand): 5'-GTGTTGTGTGATTTAAAATGGACTCAGCAGGAAGCATATTGTCTGGGGATTGTTGGGACA[G>A]GTTTTGGTGACTCTGTGCCCTTGCTCTCTAACTTCTGAGCCCACCTCCCAGGGTAGGCAC-3'